The following is an entry in ClinVar:

ClinVar aggregate classification (germline): Pathogenic (1 of 4 stars; one submission).

Conditions:
Fanconi anemia (FA). Also called: Fanconi's anemia. Identifiers: Orphanet 84, MedGen C0015625, MeSH D005199, MONDO:0019391.

Submission:

Labcorp Genetics (formerly Invitae), Labcorp
Classification: Pathogenic for Fanconi anemia. Last evaluated: 2019-06-12. Review status: criteria provided, single submitter. Criteria: Invitae Variant Classification Sherloc (09022015). Collection method: clinical testing. Allele origin: germline.
Comment: This variant is an out-of-frame deletion of the genomic region encompassing exons 9-10 of the FANCA gene. This is expected to create a premature translational stop signal and result in an absent or disrupted protein product. This variant has been observed in an individual affected with Fanconi anemia (PMID: 30031030). Loss-of-function variants in FANCA are known to be pathogenic (PMID: 19367192). For these reasons, this variant has been classified as Pathogenic.

Literature cited by the submitters: PubMed 30031030.

NC_000016.10:g.(?_89799156)_(89799648_?)del

Gene: FANCA (FA complementation group A; minus strand). Cytogenetic location: 16q24.3.
Variant type: Deletion.
Identifiers: ClinVar variation 833217 (VCV000833217.1).